The following is an entry in ClinVar:

ClinVar aggregate classification (germline): Benign/Likely benign. Review status: criteria provided, multiple submitters, no conflicts (2 of 4 stars). 3 submissions from 3 submitters: Benign (1); Likely benign (2). Last evaluated 2018-07-09.

Conditions:
Maple syrup urine disease (MSUD). Identifiers: Orphanet 511, MedGen C0024776, MeSH D008375, MONDO:0009563. Disease mechanism: loss of function.

Allele frequency attached by ClinVar (database versions not stated): 1000 Genomes Project 30x 0.00562; 1000 Genomes Project 0.00599; gnomAD 0.00851 and 0.00882; TOPMed 0.00957; gnomAD exomes 0.01273; ExAC 0.02696.

Submissions (3):

GeneDx
Classification: Likely benign. Last evaluated: 2018-07-09. Review status: criteria provided, single submitter. Criteria: GeneDx Variant Classification Process June 2021. Collection method: clinical testing. Allele origin: germline. Affected: yes.

Illumina Laboratory Services, Illumina
Classification: Benign for Maple syrup urine disease type 1A. Last evaluated: 2018-01-13. Review status: criteria provided, single submitter. Criteria: ICSL Variant Classification Criteria 13 December 2019. Collection method: clinical testing. Allele origin: germline.
Comment: This variant was observed in the ICSL laboratory as part of a predisposition screen in an ostensibly healthy population. It had not been previously curated by ICSL or reported in the Human Gene Mutation Database (HGMD: prior to June 1st, 2018), and was therefore a candidate for classification through an automated scoring system. Utilizing variant allele frequency, disease prevalence and penetrance estimates, and inheritance mode, an automated score was calculated to assess if this variant is too frequent to cause the disease. Based on the score and internal cut-off values, a variant classified as benign is not then subjected to further curation. The score for this variant resulted in a classification of benign for this disease.

Breakthrough Genomics
Classification: Likely benign. Review status: criteria provided, single submitter. Criteria: ACMG Guidelines, 2015. Collection method: not provided. Allele origin: germline. Inheritance: Autosomal recessive inheritance. Affected: yes.

NM_000709.4(BCKDHA):c.*125C>T

Gene: BCKDHA (branched chain keto acid dehydrogenase E1 subunit alpha; plus strand). Cytogenetic location: 19q13.2.
Variant type: single nucleotide variant.
Coding change: c.*125C>T on transcript NM_000709.4 (MANE Select); 125 bases downstream of the stop codon, C replaced by T.
Molecular consequence: 3 prime UTR variant.
Genome position (GRCh38, 1-based): chr19:41,424,733, C>T. VCF-style: chr19-41424733-C-T. GRCh37 (hg19) VCF-style: chr19-41930638-C-T.
Other names: c.*125C>T (NM_001164783.2).
Identifiers: ClinVar variation 329372 (VCV000329372.9), dbSNP rs140867211, ClinGen allele CA9461455.